The following is an entry in ClinVar:

ClinVar aggregate classification (germline): Uncertain significance (1 of 4 stars; one submission).

Conditions:
Hereditary spastic paraplegia 30. Identifiers: Orphanet 101010, MedGen C5235139, MONDO:0012476.
Neuropathy, hereditary sensory, type 2C. Also called: KIF1A-Related HSAN2 (HSAN2C); Hereditary sensory and autonomic neuropathy type IIC. Identifiers: Orphanet 970, MedGen C3280168, MONDO:0013634, OMIM 614213.
Intellectual disability, autosomal dominant 9 (NESCAVS). Also called: KIF1A-Related Neurodevelopmental Disorder; NESCAV SYNDROME. Identifiers: Orphanet 662367, MedGen C5393830, MONDO:0013656, OMIM 614255.

Allele frequency attached by ClinVar (database versions not stated): gnomAD 0.00001.
gnomAD v4.1: 2 of 1,612,314 alleles (0.00012%); highest among the groups gnomAD compares: South Asian, 0.0022%; no homozygotes.

Submission:

Labcorp Genetics (formerly Invitae), Labcorp
Classification: Uncertain significance for Hereditary spastic paraplegia 30; Neuropathy, hereditary sensory, type 2C; Intellectual disability, autosomal dominant 9. Last evaluated: 2021-08-07. Review status: criteria provided, single submitter. Criteria: Invitae Variant Classification Sherloc (09022015). Collection method: clinical testing. Allele origin: germline.
Comment: In summary, the available evidence is currently insufficient to determine the role of this variant in disease. Therefore, it has been classified as a Variant of Uncertain Significance. This sequence change replaces alanine with valine at codon 892 of the KIF1A protein (p.Ala892Val). The alanine residue is highly conserved and there is a small physicochemical difference between alanine and valine. This variant is not present in population databases (ExAC no frequency). This variant has not been reported in the literature in individuals affected with KIF1A-related conditions. Algorithms developed to predict the effect of missense changes on protein structure and function (SIFT, PolyPhen-2, Align-GVGD) all suggest that this variant is likely to be tolerated.

NM_001244008.2(KIF1A):c.2978C>T (p.Ala993Val)

Gene: KIF1A (kinesin family member 1A; minus strand). Cytogenetic location: 2q37.3.
Variant type: single nucleotide variant.
Coding change: c.2978C>T on transcript NM_001244008.2 (MANE Select); coding-DNA position 2978, C replaced by T.
Protein change: p.Ala993Val; replaces alanine 993 with valine.
Molecular consequence: missense variant.
Genome position (GRCh38, 1-based): chr2:240,747,321, G>A on the plus strand (C>T on the coding strand, the complement: KIF1A is on the minus strand). VCF-style: chr2-240747321-G-A. GRCh37 (hg19) VCF-style: chr2-241686738-G-A.
Other names: c.2702C>T, p.Ala901Val (NM_001320705.2, NM_001330289.2, NM_001379638.1); c.2777C>T, p.Ala926Val (NM_001330290.2, NM_001379634.1, NM_001379635.1 and 1 more transcripts); c.3053C>T, p.Ala1018Val (NM_001379631.1); c.2927C>T, p.Ala976Val (NM_001379632.1); c.2951C>T, p.Ala984Val (NM_001379633.1, NM_001379642.1, NM_001379645.1); c.2675C>T, p.Ala892Val (NM_001379636.1, NM_001379639.1, NM_001379640.1 and 6 more transcripts); c.2750C>T, p.Ala917Val (NM_001379637.1, NM_001379648.1); short protein forms A901V, A976V, A892V, A926V, A1018V, A917V, A993V, A984V.
Identifiers: ClinVar variation 1511073 (VCV001511073.6), dbSNP rs2048715883, ClinGen allele CA351319448.